The following is an entry in ClinVar:

NM_000535.7(PMS2):c.2407G>C (p.Val803Leu)

Gene: PMS2 (PMS1 homolog 2, mismatch repair system component; minus strand). Cytogenetic location: 7p22.1.
Variant type: single nucleotide variant.
Coding change: c.2407G>C on transcript NM_000535.7 (MANE Select); coding-DNA position 2407, G replaced by C.
Protein change: p.Val803Leu; replaces valine 803 with leucine.
Molecular consequence: missense variant. On other transcripts: non-coding transcript variant (1).
Genome position (GRCh38, 1-based): chr7:5,977,626, C>G on the plus strand (G>C on the coding strand, the complement: PMS2 is on the minus strand). VCF-style: chr7-5977626-C-G. GRCh37 (hg19) VCF-style: chr7-6017257-C-G.
Other names: c.2251G>C, p.Val751Leu (NM_001322006.2); c.2089G>C, p.Val697Leu (NM_001322007.2, NM_001322008.2, NM_001406883.1); c.2035G>C, p.Val679Leu (NM_001322009.2, NM_001406887.1, NM_001406888.1); c.1846G>C, p.Val616Leu (NM_001322010.2, NM_001406906.1, NM_001406907.1); c.1474G>C, p.Val492Leu (NM_001322011.2, NM_001322012.2); c.1834G>C, p.Val612Leu (NM_001322013.2, NM_001406908.1, NM_001406909.1); c.2440G>C, p.Val814Leu (NM_001322014.2); c.2098G>C, p.Val700Leu (NM_001322015.2, NM_001406880.1, NM_001406881.1 and 4 more transcripts); and 20 more; short protein forms V402L, V492L, V546L, V564L, V612L, V616L, V632L, V641L.
Identifiers: ClinVar variation 4862129 (VCV004862129.1).
Genomic context (GRCh38, chr7:5,977,626, plus strand): 5'-CAGCCAGGCTTTCTTTACTTACCGACTTCCGGCAGGCTCTGGAGGCAAACATCTGCTTGA[C>G]TCGGGAAGGCCGGCACATGACCCCAGGGCTGTCGCTCAGCATGAAGATCAGTTCATCGAC-3'
Protein context (NP_000526.2, residues 793-813): SPGVMCRPSR[Val803Leu]KQMFASRACR

ClinVar aggregate classification (germline): Uncertain significance (1 of 4 stars; one submission).

Conditions:
Hereditary cancer-predisposing syndrome. Also called: Neoplastic Syndromes, Hereditary; Tumor predisposition; Hereditary Cancer Syndrome; Hereditary neoplastic syndrome. Identifiers: Orphanet 140162, MedGen C0027672, MeSH D009386, MONDO:0015356.

Submission:

Ambry Genetics
Classification: Uncertain significance for Hereditary cancer-predisposing syndrome. Last evaluated: 2026-05-27. Review status: criteria provided, single submitter. Criteria: Ambry Variant Classification Scheme 2023. Collection method: clinical testing. Allele origin: germline.
Comment: The p.V803L variant (also known as c.2407G>C), located in coding exon 14 of the PMS2 gene, results from a G to C substitution at nucleotide position 2407. The valine at codon 803 is replaced by leucine, an amino acid with highly similar properties. This amino acid position is conserved. In addition, this alteration is predicted to be deleterious by in silico analysis. Based on the available evidence, the clinical significance of this variant remains unclear.